The following is an entry in ClinVar:

ClinVar aggregate classification (germline): Uncertain significance (1 of 4 stars; one submission).

Conditions:
Hereditary cancer-predisposing syndrome. Also called: Tumor predisposition; Hereditary neoplastic syndrome; Hereditary Cancer Syndrome; Neoplastic Syndromes, Hereditary. Identifiers: Orphanet 140162, MedGen C0027672, MeSH D009386, MONDO:0015356.

Submission:

Ambry Genetics
Classification: Uncertain significance for Hereditary cancer-predisposing syndrome. Last evaluated: 2025-04-11. Review status: criteria provided, single submitter. Criteria: Ambry Variant Classification Scheme 2023. Collection method: clinical testing. Allele origin: germline.
Comment: The p.E1115G variant (also known as c.3344A>G), located in coding exon 21 of the TSC1 gene, results from an A to G substitution at nucleotide position 3344. The glutamic acid at codon 1115 is replaced by glycine, an amino acid with similar properties. This amino acid position is conserved. In addition, this alteration is predicted to be tolerated by in silico analysis. Based on the available evidence, the clinical significance of this variant remains unclear.

NM_000368.5(TSC1):c.3344A>G (p.Glu1115Gly)

Gene: TSC1 (TSC complex subunit 1; minus strand). Cytogenetic location: 9q34.13.
Variant type: single nucleotide variant.
Coding change: c.3344A>G on transcript NM_000368.5 (MANE Select); coding-DNA position 3344, A replaced by G.
Protein change: p.Glu1115Gly; replaces glutamic acid 1115 with glycine.
Molecular consequence: missense variant. On other transcripts: non-coding transcript variant (5).
Genome position (GRCh38, 1-based): chr9:132,896,386, T>C on the plus strand (A>G on the coding strand, the complement: TSC1 is on the minus strand). VCF-style: chr9-132896386-T-C. GRCh37 (hg19) VCF-style: chr9-135771773-T-C.
Other names: c.3341A>G, p.Glu1114Gly (NM_001162426.2, NM_001406597.1, NM_001406598.1 and 2 more transcripts); c.3191A>G, p.Glu1064Gly (NM_001162427.2, NM_001406610.1); c.2981A>G, p.Glu994Gly (NM_001362177.2, NM_001406614.1, NM_001406615.1 and 4 more transcripts); c.3344A>G, p.Glu1115Gly (NM_001406592.1, NM_001406593.1, NM_001406594.1 and 2 more transcripts); c.3329A>G, p.Glu1110Gly (NM_001406601.1, NM_001406602.1); c.3326A>G, p.Glu1109Gly (NM_001406603.1, NM_001406604.1); c.3302A>G, p.Glu1101Gly (NM_001406605.1, NM_001406606.1, NM_001406607.1); c.3299A>G, p.Glu1100Gly (NM_001406608.1, NM_001406609.1); and 8 more; short protein forms E1049G, E1109G, E1110G, E1064G, E1100G, E764G, E980G, E994G.
Identifiers: ClinVar variation 3974553 (VCV003974553.1).